The following is an entry in ClinVar:

NM_001077653.2(TBX20):c.761T>C (p.Phe254Ser)

Gene: TBX20 (T-box transcription factor 20; minus strand). Cytogenetic location: 7p14.2.
Variant type: single nucleotide variant.
Coding change: c.761T>C on transcript NM_001077653.2 (MANE Select); coding-DNA position 761, T replaced by C.
Protein change: p.Phe254Ser; replaces phenylalanine 254 with serine.
Molecular consequence: missense variant.
Genome position (GRCh38, 1-based): chr7:35,240,931, A>G on the plus strand (T>C on the coding strand, the complement: TBX20 is on the minus strand). VCF-style: chr7-35240931-A-G. GRCh37 (hg19) VCF-style: chr7-35280543-A-G.
Other names: c.761T>C, p.Phe254Ser (NM_001166220.1); short protein forms F254S.
Identifiers: ClinVar variation 2906303 (VCV002906303.3), dbSNP rs141640072, ClinGen allele CA4217435.
Genomic context (GRCh38, chr7:35,240,931, plus strand): 5'-ACACTCACCAGTTGATTCTGGTAGGCAGTGACTGCCGTAAAAACTGTTTCTGGAAAGATG[A>G]AAGTTCTAAATTCTTCAGACTTCAGGTTGAGCAATGAGGCTGTGTGGTCTTTCTTCTTAA-3'
Protein context (NP_001071121.1, residues 244-264): LNLKSEEFRT[Phe254Ser]IFPETVFTAV

ClinVar aggregate classification (germline): Uncertain significance (1 of 4 stars; one submission).

Allele frequency attached by ClinVar (database versions not stated): gnomAD exomes below 0.00001; ExAC 0.00001; gnomAD 0.00003; TOPMed 0.00003; ESP Exome Variant Server 0.00008.
gnomAD v4.1: 7 of 1,613,818 alleles (0.00043%); highest among the groups gnomAD compares: South Asian, 0.0022%; no homozygotes.

Submission:

Labcorp Genetics (formerly Invitae), Labcorp
Classification: Uncertain significance. Last evaluated: 2024-10-21. Review status: criteria provided, single submitter. Criteria: Invitae Variant Classification Sherloc (09022015). Collection method: clinical testing. Allele origin: germline.
Comment: This sequence change replaces phenylalanine, which is neutral and non-polar, with serine, which is neutral and polar, at codon 254 of the TBX20 protein (p.Phe254Ser). This variant is present in population databases (rs141640072, gnomAD 0.003%). This variant has not been reported in the literature in individuals affected with TBX20-related conditions. Invitae Evidence Modeling of protein sequence and biophysical properties (such as structural, functional, and spatial information, amino acid conservation, physicochemical variation, residue mobility, and thermodynamic stability) indicates that this missense variant is expected to disrupt TBX20 protein function with a positive predictive value of 80%. In summary, the available evidence is currently insufficient to determine the role of this variant in disease. Therefore, it has been classified as a Variant of Uncertain Significance.